The following is an entry in ClinVar:

NM_004544.4(NDUFA10):c.*308C>T

Gene: NDUFA10 (NADH:ubiquinone oxidoreductase subunit A10; minus strand). Cytogenetic location: 2q37.3.
Variant type: single nucleotide variant.
Coding change: c.*308C>T on transcript NM_004544.4 (MANE Select); 308 bases downstream of the stop codon, C replaced by T.
Molecular consequence: 3 prime UTR variant. On other transcripts: non-coding transcript variant (3).
Genome position (GRCh38, 1-based): chr2:239,960,810, G>A on the plus strand (C>T on the coding strand, the complement: NDUFA10 is on the minus strand). VCF-style: chr2-239960810-G-A. GRCh37 (hg19) VCF-style: chr2-240900227-G-A.
Other names: c.*313C>T (NM_001322020.2).
Identifiers: ClinVar variation 335198 (VCV000335198.8), dbSNP rs8369, ClinGen allele CA10612868.
Genomic context (GRCh38, chr2:239,960,810, plus strand): 5'-ACACTTTTATTTCTGGAAGTCAGAAGAAAAACAATGTGCACAACCTGAATGACACAGAGC[G>A]GCAGCGCTGAAACCACAGGGGCTGCCGAGAGCTGGCCTTTCACAGCAGACCACTGTTTTC-3'

ClinVar aggregate classification (germline): Benign. Review status: criteria provided, multiple submitters, no conflicts (2 of 4 stars). 4 submissions from 3 submitters: Benign (4). Last evaluated 2021-05-14.

Conditions:
Leigh syndrome (NULS). Also called: Leigh's syndrome; Leigh Syndrome (mtDNA deletion); Leigh Disease; Leigh's necrotizing encephalopathy; Leigh's disease; Subacute necrotizing encephalopathy. Identifiers: Orphanet 506, MedGen C2931891, MONDO:0009723, OMIM 256000.
Mitochondrial complex I deficiency, nuclear type 1. Also called: NADH-COENZYME Q REDUCTASE DEFICIENCY; MITOCHONDRIAL NADH DEHYDROGENASE COMPONENT OF COMPLEX I, DEFICIENCY OF. Identifiers: MedGen C6022305, MONDO:0100224, OMIM 252010.

Allele frequency attached by ClinVar (database versions not stated): 1000 Genomes Project 30x 0.09728; 1000 Genomes Project 0.10024; TOPMed 0.11302; gnomAD 0.11658 and 0.11754.
gnomAD v4.1: 194,615 of 1,296,478 alleles (15%); highest among the groups gnomAD compares: South Asian, 16%; 15,525 homozygotes.

Submissions (4):

GeneDx
Classification: Benign. Last evaluated: 2021-05-14. Review status: criteria provided, single submitter. Criteria: GeneDx Variant Classification Process June 2021. Collection method: clinical testing. Allele origin: germline. Affected: yes.

Illumina Laboratory Services, Illumina
Classification: Benign for Leigh syndrome. Last evaluated: 2018-01-13. Review status: criteria provided, single submitter. Criteria: ICSL Variant Classification Criteria 13 December 2019. Collection method: clinical testing. Allele origin: germline.
Comment: This variant was observed in the ICSL laboratory as part of a predisposition screen in an ostensibly healthy population. It had not been previously curated by ICSL or reported in the Human Gene Mutation Database (HGMD: prior to June 1st, 2018), and was therefore a candidate for classification through an automated scoring system. Utilizing variant allele frequency, disease prevalence and penetrance estimates, and inheritance mode, an automated score was calculated to assess if this variant is too frequent to cause the disease. Based on the score and internal cut-off values, a variant classified as benign is not then subjected to further curation. The score for this variant resulted in a classification of benign for this disease.

Illumina Laboratory Services, Illumina
Classification: Benign for Mitochondrial complex I deficiency, nuclear type 1. Last evaluated: 2018-01-13. Review status: criteria provided, single submitter. Criteria: ICSL Variant Classification Criteria 13 December 2019. Collection method: clinical testing. Allele origin: germline.
Comment: the same text as in the submission from Illumina Laboratory Services, Illumina above.

Breakthrough Genomics
Classification: Benign. Review status: criteria provided, single submitter. Criteria: ACMG Guidelines, 2015. Collection method: not provided. Allele origin: germline. Inheritance: Autosomal recessive inheritance. Affected: yes.